The following is an entry in ClinVar:

NM_001244008.2(KIF1A):c.799-87T>C

Gene: KIF1A (kinesin family member 1A; minus strand). Cytogenetic location: 2q37.3.
Variant type: single nucleotide variant.
Coding change: c.799-87T>C on transcript NM_001244008.2 (MANE Select); 87 bases into the intron before coding-DNA position 799, T replaced by C.
Molecular consequence: intron variant.
Genome position (GRCh38, 1-based): chr2:240,783,196, A>G on the plus strand (T>C on the coding strand, the complement: KIF1A is on the minus strand). VCF-style: chr2-240783196-A-G. GRCh37 (hg19) VCF-style: chr2-241722613-A-G.
Other names: c.799-87T>C (NM_001379653.1, NM_001379650.1, NM_001379645.1 and 20 more transcripts).
Identifiers: ClinVar variation 682832 (VCV000682832.2), dbSNP rs2288749, ClinGen allele CA11328330.

ClinVar aggregate classification (germline): Benign. Review status: criteria provided, multiple submitters, no conflicts (2 of 4 stars). 2 submissions from 2 submitters: Benign (2). Last evaluated 2018-06-14.

Allele frequency attached by ClinVar (database versions not stated): gnomAD exomes 0.47670; 1000 Genomes Project 0.54034; 1000 Genomes Project 30x 0.54513; gnomAD 0.56119 and 0.57350; TOPMed 0.56850.
gnomAD v4.1: 519,451 of 1,061,796 alleles (49%); highest among the groups gnomAD compares: African/African-American, 78%; 131,612 homozygotes.

Submissions (2):

GeneDx
Classification: Benign. Last evaluated: 2018-06-14. Review status: criteria provided, single submitter. Criteria: GeneDx Variant Classification (06012015). Collection method: clinical testing. Allele origin: germline. Affected: yes.
Comment: This variant is considered likely benign or benign based on one or more of the following criteria: it is a conservative change, it occurs at a poorly conserved position in the protein, it is predicted to be benign by multiple in silico algorithms, and/or has population frequency not consistent with disease.

Breakthrough Genomics
Classification: Benign. Review status: criteria provided, single submitter. Criteria: ACMG Guidelines, 2015. Collection method: not provided. Allele origin: germline. Inheritance: Autosomal recessive inheritance. Affected: yes.